The following is an entry in ClinVar:

NM_001466.4(FZD2):c.25C>T (p.Arg9Cys)

Gene: FZD2 (frizzled class receptor 2; plus strand). Cytogenetic location: 17q21.31.
Variant type: single nucleotide variant.
Coding change: c.25C>T on transcript NM_001466.4 (MANE Select); coding-DNA position 25, C replaced by T.
Protein change: p.Arg9Cys; replaces arginine 9 with cysteine.
Molecular consequence: missense variant.
Genome position (GRCh38, 1-based): chr17:44,557,713, C>T. VCF-style: chr17-44557713-C-T. GRCh37 (hg19) VCF-style: chr17-42635081-C-T.
Other names: short protein forms R9C.
Identifiers: ClinVar variation 3624128 (VCV003624128.2).
Genomic context (GRCh38, chr17:44,557,713, plus strand): 5'-GGGCGCCAAGGAGCCGGGTGGGGGGCGGCGGCCAGCATGCGGCCCCGCAGCGCCCTGCCC[C>T]GCCTGCTGCTGCCGCTGCTGCTGCTGCCCGCCGCCGGGCCGGCCCAGTTCCACGGGGAGA-3'
Protein context (NP_001457.1, residues 1-19): MRPRSALP[Arg9Cys]LLLPLLLLPA

ClinVar aggregate classification (germline): Uncertain significance (1 of 4 stars; one submission).

gnomAD v4.1: 4 of 1,577,322 alleles (0.00025%); highest among the groups gnomAD compares: Admixed American, 0.0036%; no homozygotes.

Submission:

Labcorp Genetics (formerly Invitae), Labcorp
Classification: Uncertain significance. Last evaluated: 2024-03-14. Review status: criteria provided, single submitter. Criteria: Invitae Variant Classification Sherloc (09022015). Collection method: clinical testing. Allele origin: germline.
Comment: This sequence change replaces arginine, which is basic and polar, with cysteine, which is neutral and slightly polar, at codon 9 of the FZD2 protein (p.Arg9Cys). The frequency data for this variant in the population databases is considered unreliable, as metrics indicate poor data quality at this position in the gnomAD database. This variant has not been reported in the literature in individuals affected with FZD2-related conditions. Experimental studies and prediction algorithms are not available or were not evaluated, and the functional significance of this variant is currently unknown. In summary, the available evidence is currently insufficient to determine the role of this variant in disease. Therefore, it has been classified as a Variant of Uncertain Significance.